The following is an entry in ClinVar:

ClinVar aggregate classification (germline): Pathogenic (1 of 4 stars; one submission).

Conditions:
Sitosterolemia (STSL). Also called: PHYTOSTEROLEMIA. Identifiers: Orphanet 2882, MedGen C0342907, MONDO:0008863.

Allele frequency attached by ClinVar (database versions not stated): TOPMed 0.00001; gnomAD 0.00002.

Submission:

Labcorp Genetics (formerly Invitae), Labcorp
Classification: Pathogenic for Sitosterolemia. Last evaluated: 2025-12-13. Review status: criteria provided, single submitter. Criteria: Invitae Variant Classification Sherloc (09022015). Collection method: clinical testing. Allele origin: germline.
Comment: This sequence change creates a premature translational stop signal (p.Gln553*) in the ABCG5 gene. It is expected to result in an absent or disrupted protein product. Loss-of-function variants in ABCG5 are known to be pathogenic (PMID: 11138003, 25665839). The frequency data for this variant in the population databases is considered unreliable, as metrics indicate poor data quality at this position in the gnomAD database. This variant has not been reported in the literature in individuals affected with ABCG5-related conditions. ClinVar contains an entry for this variant (Variation ID: 1907244). Algorithms developed to predict the effect of sequence changes on RNA splicing suggest that this variant may disrupt the consensus splice site. For these reasons, this variant has been classified as Pathogenic.

Literature cited by the submitters: PubMed 11138003; PubMed 25665839.

NM_022436.3(ABCG5):c.1657C>T (p.Gln553Ter)

Genes: ABCG5 (ATP binding cassette subfamily G member 5; minus strand), DYNC2LI1 (dynein cytoplasmic 2 light intermediate chain 1; plus strand). Cytogenetic location: 2p21.
Variant type: single nucleotide variant.
Coding change: c.1657C>T on transcript NM_022436.3 (MANE Select); coding-DNA position 1657, C replaced by T.
Protein change: p.Gln553Ter; replaces glutamine 553 with a stop codon.
Molecular consequence: nonsense. On other transcripts: intron variant (2).
Genome position (GRCh38, 1-based): chr2:43,814,582, G>A on the plus strand (C>T on the coding strand, the complement: ABCG5 is on the minus strand). VCF-style: chr2-43814582-G-A. GRCh37 (hg19) VCF-style: chr2-44041721-G-A.
Other names: c.*15+4058G>A (NM_001348913.2, NM_001348912.2); short protein forms Q553*.
Identifiers: ClinVar variation 1907244 (VCV001907244.4), dbSNP rs1171022283, ClinGen allele CA346662728.